The following is an entry in ClinVar:

NM_004453.4(ETFDH):c.1395T>G (p.Tyr465Ter)

Gene: ETFDH (electron transfer flavoprotein dehydrogenase; plus strand). Cytogenetic location: 4q32.1.
Variant type: single nucleotide variant.
Coding change: c.1395T>G on transcript NM_004453.4 (MANE Select); coding-DNA position 1395, T replaced by G.
Protein change: p.Tyr465Ter; replaces tyrosine 465 with a stop codon.
Molecular consequence: nonsense.
Genome position (GRCh38, 1-based): chr4:158,706,298, T>G. VCF-style: chr4-158706298-T-G. GRCh37 (hg19) VCF-style: chr4-159627450-T-G.
Other names: c.1254T>G, p.Tyr418Ter (NM_001281737.2); c.1212T>G, p.Tyr404Ter (NM_001281738.1); short protein forms Y404*, Y418*, Y465*.
Identifiers: ClinVar variation 1456462 (VCV001456462.10), dbSNP rs745714733, ClinGen allele CA3122615.

ClinVar aggregate classification (germline): Pathogenic. Review status: criteria provided, multiple submitters, no conflicts (2 of 4 stars). 3 submissions from 3 submitters: Pathogenic (3). Last evaluated 2025-10-03.

Conditions:
Multiple acyl-CoA dehydrogenase deficiency (MADD). Also called: Glutaric Acidemia type 2; ETHYLMALONIC-ADIPICACIDURIA; Glutaric aciduria, type 2; Glutaric acidemia type II; GA 2; GA II. Identifiers: Orphanet 26791, MedGen C0268596, MONDO:0009282, OMIM 231680.

gnomAD v4.1: 2 of 1,613,096 alleles (0.00012%); highest among the groups gnomAD compares: East Asian, 0.0045%; no homozygotes.

Submissions (3):

Labcorp Genetics (formerly Invitae), Labcorp
Classification: Pathogenic for Multiple acyl-CoA dehydrogenase deficiency. Last evaluated: 2025-10-03. Review status: criteria provided, single submitter. Criteria: Invitae Variant Classification Sherloc (09022015). Collection method: clinical testing. Allele origin: germline.
Comment: This sequence change creates a premature translational stop signal (p.Tyr465*) in the ETFDH gene. It is expected to result in an absent or disrupted protein product. Loss-of-function variants in ETFDH are known to be pathogenic (PMID: 16510302, 23785301). This variant is not present in population databases (gnomAD no frequency). This premature translational stop signal has been observed in individual(s) with ETFDH-related conditions (PMID: 19758981, 21347544). ClinVar contains an entry for this variant (Variation ID: 1456462). Algorithms developed to predict the effect of sequence changes on RNA splicing suggest that this variant may disrupt the consensus splice site. For these reasons, this variant has been classified as Pathogenic.

Baylor Genetics
Classification: Pathogenic for Multiple acyl-CoA dehydrogenase deficiency. Last evaluated: 2024-03-14. Review status: criteria provided, single submitter. Criteria: ACMG Guidelines, 2015. Collection method: clinical testing. Allele origin: unknown.

Juno Genomics, Hangzhou Juno Genomics, Inc
Classification: Pathogenic for Multiple acyl-CoA dehydrogenase deficiency. Review status: criteria provided, single submitter. Criteria: ACMG Guidelines, 2015. Collection method: clinical testing. Allele origin: germline.
Comment: Absent from controls (or at extremely low frequency if recessive) in Genome Aggregation Database.;Null variant in a gene where loss of function (LOF) is a known mechanism of disease.;For recessive disorders, detected in trans with a pathogenic variant.

Literature cited by the submitters: PubMed 16510302 (cited by Labcorp Genetics (formerly Invitae), Labcorp); PubMed 23785301 (cited by Labcorp Genetics (formerly Invitae), Labcorp); PubMed 19758981 (cited by Labcorp Genetics (formerly Invitae), Labcorp); PubMed 21347544 (cited by Labcorp Genetics (formerly Invitae), Labcorp).